The following is an entry in ClinVar:

NM_001277115.2(DNAH11):c.8671C>T (p.Arg2891Trp)

Gene: DNAH11 (dynein axonemal heavy chain 11; plus strand). Cytogenetic location: 7p15.3.
Variant type: single nucleotide variant.
Coding change: c.8671C>T on transcript NM_001277115.2 (MANE Select); coding-DNA position 8671, C replaced by T.
Protein change: p.Arg2891Trp; replaces arginine 2891 with tryptophan.
Molecular consequence: missense variant.
Genome position (GRCh38, 1-based): chr7:21,748,740, C>T. VCF-style: chr7-21748740-C-T. GRCh37 (hg19) VCF-style: chr7-21788358-C-T.
Other names: short protein forms R2891W.
Identifiers: ClinVar variation 639431 (VCV000639431.8), dbSNP rs199574130, ClinGen allele CA4181667.
Genomic context (GRCh38, chr7:21,748,740, plus strand): 5'-CTTCGTGGCCTTGAGGTCTTTCAGATCACTCTGACCGAGGGCTATGGAATCCAGGAACTT[C>T]GGGTGAGTCAAGGGGACAGGCAGTTCTTCTGACCCTTCTGCTTGGCAGATAAAGCCGAGG-3'
Protein context (NP_001264044.1, residues 2881-2901): LTEGYGIQEL[Arg2891Trp]VDLANLYIRT

ClinVar aggregate classification (germline): Uncertain significance. Review status: criteria provided, multiple submitters, no conflicts (2 of 4 stars). 5 submissions from 5 submitters: Uncertain significance (5). Last evaluated 2025-05-14.

Conditions:
Primary ciliary dyskinesia 7. Also called: CILIARY DYSKINESIA, PRIMARY, 7, WITH OR WITHOUT SITUS INVERSUS. Identifiers: Orphanet 244, MedGen C2678473, MONDO:0012748, OMIM 611884.
Primary ciliary dyskinesia. Also called: Ciliary dyskinesia. Identifiers: Orphanet 244, MedGen C0008780, MONDO:0016575, HP:0012265.

Allele frequency attached by ClinVar (database versions not stated): gnomAD exomes 0.00013 and 0.00021; ExAC 0.00014; gnomAD 0.00016 and 0.00017; TOPMed 0.00016; 1000 Genomes Project 0.00020; ESP Exome Variant Server 0.00024; 1000 Genomes Project 30x 0.00047.
gnomAD v4.1: 334 of 1,613,008 alleles (0.021%); highest among the groups gnomAD compares: Non-Finnish European, 0.026%; no homozygotes.

Submissions (5):

Johns Hopkins Genomics, Johns Hopkins University
Classification: Uncertain significance for Primary ciliary dyskinesia 7. Last evaluated: 2025-05-14. Review status: criteria provided, single submitter. Criteria: ACMG Guidelines, 2015. Collection method: clinical testing. Allele origin: germline.
Comment: This DNA11 missense variant (rs199574130) is rare (<0.1%) in a large population dataset (gnomADv4.1.0: 334/1613008 total alleles; 0.021%; no homozygotes) and has been reported in ClinVar (Variation ID: 639431). It has not been reported in the literature in individuals with primary ciliary dyskinesia, to our knowledge. Of three bioinformatics tools queried, two predict that the substitution would be possibly damaging while one predicts that it would be tolerated. The arginine residue at this position is evolutionarily conserved across many of the mammalian species assessed. We consider the clinical significance of DNAH11 c.8671C>T to be uncertain at this time.

Blueprint Genetics
Classification: Uncertain significance. Last evaluated: 2024-10-09. Review status: criteria provided, single submitter. Criteria: ACMG Guidelines, 2015. Collection method: clinical testing. Allele origin: germline.

Fulgent Genetics
Classification: Uncertain significance for Primary ciliary dyskinesia 7. Last evaluated: 2024-03-14. Review status: criteria provided, single submitter. Criteria: ACMG Guidelines, 2015. Collection method: clinical testing. Allele origin: germline.

Labcorp Genetics (formerly Invitae), Labcorp
Classification: Uncertain significance for Primary ciliary dyskinesia. Last evaluated: 2022-07-13. Review status: criteria provided, single submitter. Criteria: Invitae Variant Classification Sherloc (09022015). Collection method: clinical testing. Allele origin: germline.
Comment: This sequence change replaces arginine, which is basic and polar, with tryptophan, which is neutral and slightly polar, at codon 2891 of the DNAH11 protein (p.Arg2891Trp). This variant is present in population databases (rs199574130, gnomAD 0.03%). This variant has not been reported in the literature in individuals affected with DNAH11-related conditions. ClinVar contains an entry for this variant (Variation ID: 639431). Algorithms developed to predict the effect of missense changes on protein structure and function are either unavailable or do not agree on the potential impact of this missense change (SIFT: "Deleterious"; PolyPhen-2: "Possibly Damaging"; Align-GVGD: "Class C15"). In summary, the available evidence is currently insufficient to determine the role of this variant in disease. Therefore, it has been classified as a Variant of Uncertain Significance.

Ambry Genetics
Classification: Uncertain significance for Primary ciliary dyskinesia. Last evaluated: 2020-08-21. Review status: criteria provided, single submitter. Criteria: Ambry Variant Classification Scheme 2023. Collection method: clinical testing. Allele origin: germline.
Comment: The p.R2891W variant (also known as c.8671C>T), located in coding exon 52 of the DNAH11 gene, results from a C to T substitution at nucleotide position 8671. The arginine at codon 2891 is replaced by tryptophan, an amino acid with dissimilar properties. This amino acid position is poorly conserved in available vertebrate species. In addition, this alteration is predicted to be tolerated by in silico analysis. Since supporting evidence is limited at this time, the clinical significance of this alteration remains unclear.

Literature cited by the submitters: PubMed 12142464 (cited by Johns Hopkins Genomics, Johns Hopkins University).